The following is an entry in ClinVar:

ClinVar aggregate classification (germline): Uncertain significance (1 of 4 stars; one submission).

Allele frequency attached by ClinVar (database versions not stated): ExAC 0.00001; gnomAD 0.00001; gnomAD exomes 0.00001; TOPMed 0.00003; ESP Exome Variant Server 0.00008.
gnomAD v4.1: 10 of 1,613,846 alleles (0.00062%); highest among the groups gnomAD compares: East Asian, 0.0089%; no homozygotes.

Submission:

Ambry Genetics
Classification: Uncertain significance. Last evaluated: 2022-10-22. Review status: criteria provided, single submitter. Criteria: Ambry Variant Classification Scheme 2023. Collection method: clinical testing. Allele origin: germline.
Comment: The p.S412G variant (also known as c.1234A>G), located in coding exon 12 of the PRKDC gene, results from an A to G substitution at nucleotide position 1234. The serine at codon 412 is replaced by glycine, an amino acid with similar properties. This amino acid position is conserved. In addition, this alteration is predicted to be tolerated by in silico analysis. Since supporting evidence is limited at this time, the clinical significance of this alteration remains unclear.

NM_006904.7(PRKDC):c.1234A>G (p.Ser412Gly)

Gene: PRKDC (protein kinase, DNA-activated, catalytic subunit; minus strand). Cytogenetic location: 8q11.21.
Variant type: single nucleotide variant.
Coding change: c.1234A>G on transcript NM_006904.7 (MANE Select); coding-DNA position 1234, A replaced by G.
Protein change: p.Ser412Gly; replaces serine 412 with glycine.
Molecular consequence: missense variant.
Genome position (GRCh38, 1-based): chr8:47,936,397, T>C on the plus strand (A>G on the coding strand, the complement: PRKDC is on the minus strand). VCF-style: chr8-47936397-T-C. GRCh37 (hg19) VCF-style: chr8-48848957-T-C.
Other names: c.1234A>G, p.Ser412Gly (NM_001081640.2); short protein forms S412G.
Identifiers: ClinVar variation 1756369 (VCV001756369.2), dbSNP rs371607334, ClinGen allele CA4741788.
Genomic context (GRCh38, chr8:47,936,397, plus strand): 5'-AGTTTAGTTCACTTACTGTGTCAAGGTACAGCAAGACGCTTGCAACAGACTGGAGGAAGC[T>C]TGGCATCTGATAAACACGGTCGTCACCAGTGTCTGTCTGGGTGAGGAACATCTGCTTGCA-3'
Protein context (NP_008835.5, residues 402-422): TGDDRVYQMP[Ser412Gly]FLQSVASVLL